The following is an entry in ClinVar:

NM_024675.4(PALB2):c.2780A>G (p.Asp927Gly)

Gene: PALB2 (partner and localizer of BRCA2; minus strand). Cytogenetic location: 16p12.2.
Variant type: single nucleotide variant.
Coding change: c.2780A>G on transcript NM_024675.4 (MANE Select); coding-DNA position 2780, A replaced by G.
Protein change: p.Asp927Gly; replaces aspartic acid 927 with glycine.
Molecular consequence: missense variant.
Genome position (GRCh38, 1-based): chr16:23,624,063, T>C on the plus strand (A>G on the coding strand, the complement: PALB2 is on the minus strand). VCF-style: chr16-23624063-T-C. GRCh37 (hg19) VCF-style: chr16-23635384-T-C.
Other names: short protein forms D927G.
Identifiers: ClinVar variation 422729 (VCV000422729.15), dbSNP rs62625280, ClinGen allele CA16620127.

ClinVar aggregate classification (germline): Uncertain significance. Review status: criteria provided, multiple submitters, no conflicts (2 of 4 stars). 3 submissions from 3 submitters: Uncertain significance (3). Last evaluated 2025-01-29.

Conditions:
Hereditary cancer-predisposing syndrome. Also called: Hereditary neoplastic syndrome; Neoplastic Syndromes, Hereditary; Tumor predisposition; Hereditary Cancer Syndrome. Identifiers: Orphanet 140162, MedGen C0027672, MeSH D009386, MONDO:0015356.
Familial cancer of breast. Also called: Hereditary breast cancer; BREAST CANCER, FAMILIAL; hereditary breast carcinoma. Identifiers: Orphanet 227535, MedGen C0346153, MONDO:0016419, OMIM 114480. Disease mechanism: loss of function.

Submissions (3):

Labcorp Genetics (formerly Invitae), Labcorp
Classification: Uncertain significance for Familial cancer of breast. Last evaluated: 2025-01-29. Review status: criteria provided, single submitter. Criteria: Invitae Variant Classification Sherloc (09022015). Collection method: clinical testing. Allele origin: germline.
Comment: This sequence change replaces aspartic acid, which is acidic and polar, with glycine, which is neutral and non-polar, at codon 927 of the PALB2 protein (p.Asp927Gly). This variant is present in population databases (no rsID available, gnomAD 0.01%). This variant has not been reported in the literature in individuals affected with PALB2-related conditions. ClinVar contains an entry for this variant (Variation ID: 422729). Invitae Evidence Modeling of protein sequence and biophysical properties (such as structural, functional, and spatial information, amino acid conservation, physicochemical variation, residue mobility, and thermodynamic stability) indicates that this missense variant is not expected to disrupt PALB2 protein function with a negative predictive value of 80%. In summary, the available evidence is currently insufficient to determine the role of this variant in disease. Therefore, it has been classified as a Variant of Uncertain Significance.

Ambry Genetics
Classification: Uncertain significance for Hereditary cancer-predisposing syndrome. Last evaluated: 2024-01-08. Review status: criteria provided, single submitter. Criteria: Ambry Variant Classification Scheme 2023. Collection method: clinical testing. Allele origin: germline.
Comment: The p.D927G variant (also known as c.2780A>G), located in coding exon 8 of the PALB2 gene, results from an A to G substitution at nucleotide position 2780. The aspartic acid at codon 927 is replaced by glycine, an amino acid with similar properties. This amino acid position is well conserved in available vertebrate species. In addition, the in silico prediction for this alteration is inconclusive. Since supporting evidence is limited at this time, the clinical significance of this alteration remains unclear.

GeneDx
Classification: Uncertain significance. Last evaluated: 2016-11-08. Review status: criteria provided, single submitter. Criteria: GeneDx Variant Classification (06012015). Collection method: clinical testing. Allele origin: germline. Affected: yes.
Comment: This variant is denoted PALB2 c.2780A>G at the cDNA level, p.Asp927Gly (D927G) at the protein level, and results in the change of an Aspartic Acid to a Glycine (GAT>GGT). This variant has not, to our knowledge, been published in the literature as pathogenic or benign. PALB2 Asp927Gly was not observed in approximately 6,500 individuals of European and African American ancestry in the NHLBI Exome Sequencing Project, suggesting it is not a common benign variant in these populations. Since Aspartic Acid and Glycine differ in polarity, charge, size or other properties, this is considered a non-conservative amino acid substitution. PALB2 Asp927Gly occurs at a position where amino acids with properties similar to Aspartic Acid are tolerated across species and is located in the region of interaction with RAD51, BRCA2, POLH, the WD2 repeat region, and the region required for POLH DNA synthesis stimulation (UniProt). Protein- based in silico analyses predict that this variant is probably damaging to protein structure and function. Multiple splicing models predict that this variant may create a cryptic donor site upstream of the natural splice donor site. However, in the absence of RNA or functional studies, the actual effect of this variant is unknown. Based on currently available evidence, it is unclear whether PALB2 Asp927Gly is a pathogenic or benign variant. We consider it to be a variant of uncertain significance.